The following is an entry in ClinVar:

ClinVar aggregate classification (germline): Uncertain significance (1 of 4 stars; one submission).

gnomAD v4.1: 29 of 1,584,160 alleles (0.0018%); highest among the groups gnomAD compares: Non-Finnish European, 0.0024%; no homozygotes.

Submission:

Labcorp Genetics (formerly Invitae), Labcorp
Classification: Uncertain significance. Last evaluated: 2025-03-13. Review status: criteria provided, single submitter. Criteria: Invitae Variant Classification Sherloc (09022015). Collection method: clinical testing. Allele origin: germline.
Comment: This sequence change replaces glycine, which is neutral and non-polar, with aspartic acid, which is acidic and polar, at codon 164 of the TCF3 protein (p.Gly164Asp). The frequency data for this variant in the population databases is considered unreliable, as metrics indicate poor data quality at this position in the gnomAD database. This variant has not been reported in the literature in individuals affected with TCF3-related conditions. Invitae Evidence Modeling of protein sequence and biophysical properties (such as structural, functional, and spatial information, amino acid conservation, physicochemical variation, residue mobility, and thermodynamic stability) indicates that this missense variant is not expected to disrupt TCF3 protein function with a negative predictive value of 80%. In summary, the available evidence is currently insufficient to determine the role of this variant in disease. Therefore, it has been classified as a Variant of Uncertain Significance.

NM_003200.5(TCF3):c.491G>A (p.Gly164Asp)

Gene: TCF3 (transcription factor 3; minus strand). Cytogenetic location: 19p13.3.
Variant type: single nucleotide variant.
Coding change: c.491G>A on transcript NM_003200.5 (MANE Select); coding-DNA position 491, G replaced by A.
Protein change: p.Gly164Asp; replaces glycine 164 with aspartic acid.
Molecular consequence: missense variant.
Genome position (GRCh38, 1-based): chr19:1,625,584, C>T on the plus strand (G>A on the coding strand, the complement: TCF3 is on the minus strand). VCF-style: chr19-1625584-C-T. GRCh37 (hg19) VCF-style: chr19-1625583-C-T.
Other names: c.491G>A, p.Gly164Asp (NM_001136139.4, NM_001351778.2, NM_001351779.2); short protein forms G164D.
Identifiers: ClinVar variation 4694173 (VCV004694173.1).